The following is an entry in ClinVar:

NM_000448.3(RAG1):c.2410del (p.Ala804fs)

Gene: RAG1 (recombination activating 1; plus strand). Cytogenetic location: 11p12.
Variant type: Deletion.
Coding change: c.2410del on transcript NM_000448.3 (MANE Select); coding-DNA position 2410, one base deleted (G; older notation c.2410delG).
Protein change: p.Ala804fs; shifts the reading frame from alanine 804.
Molecular consequence: frameshift variant.
Genome position (GRCh38, 1-based): chr11:36,575,714, G deleted. VCF-style (leftmost placement, unchanged base first): chr11-36575713-TG-T. GRCh37 (hg19) VCF-style: chr11-36597263-TG-T.
Other names: c.2410del, p.Ala804fs (NM_001377277.1, NM_001377278.1, NM_001377279.1 and 1 more transcripts); short protein forms A804fs.
Identifiers: ClinVar variation 2921565 (VCV002921565.3), dbSNP rs2494760163, ClinGen allele CA2740093704.

ClinVar aggregate classification (germline): Pathogenic (1 of 4 stars; one submission).

Conditions:
Severe combined immunodeficiency, autosomal recessive, T cell-negative, B cell-negative, NK cell-positive. Also called: SCID, AR, T-cell negative, B-cell negative, NK cell-positive; SCID, T CELL-NEGATIVE, B CELL-NEGATIVE, NK CELL-POSITIVE; Severe combined immunodeficiency due to complete RAG1/2 deficiency. Identifiers: Orphanet 331206, MedGen C1832322, MONDO:0011086, OMIM 601457.
Combined immunodeficiency with skin granulomas. Identifiers: Orphanet 157949, MedGen C2673536, MONDO:0009306, OMIM 233650.

Submission:

Labcorp Genetics (formerly Invitae), Labcorp
Classification: Pathogenic for Combined immunodeficiency with skin granulomas; Severe combined immunodeficiency, autosomal recessive, T cell-negative, B cell-negative, NK cell-positive. Last evaluated: 2023-12-19. Review status: criteria provided, single submitter. Criteria: Invitae Variant Classification Sherloc (09022015). Collection method: clinical testing. Allele origin: germline.
Comment: This sequence change creates a premature translational stop signal (p.Ala804Glnfs*10) in the RAG1 gene. While this is not anticipated to result in nonsense mediated decay, it is expected to disrupt the last 240 amino acid(s) of the RAG1 protein. This variant is not present in population databases (gnomAD no frequency). This variant has not been reported in the literature in individuals affected with RAG1-related conditions. This variant disrupts a region of the RAG1 protein in which other variant(s) (p.His994Arg) have been determined to be pathogenic (PMID: 33193364; Invitae). This suggests that this is a clinically significant region of the protein, and that variants that disrupt it are likely to be disease-causing. For these reasons, this variant has been classified as Pathogenic.

Literature cited by the submitters: PubMed 33193364.